The following is an entry in ClinVar:

NM_001267550.2(TTN):c.70706T>C (p.Ile23569Thr)

Genes: TTN (titin; minus strand), TTN-AS1 (TTN antisense RNA 1; plus strand). Cytogenetic location: 2q31.2.
Variant type: single nucleotide variant.
Coding change: c.70706T>C on transcript NM_001267550.2 (MANE Select); coding-DNA position 70706, T replaced by C.
Protein change: p.Ile23569Thr; replaces isoleucine 23569 with threonine.
Molecular consequence: missense variant.
Genome position (GRCh38, 1-based): chr2:178,575,426, A>G on the plus strand (T>C on the coding strand, the complement: TTN is on the minus strand). VCF-style: chr2-178575426-A-G. GRCh37 (hg19) VCF-style: chr2-179440153-A-G.
Other names: c.65783T>C, p.Ile21928Thr (NM_001256850.1); c.43511T>C, p.Ile14504Thr (NM_003319.4); c.63002T>C, p.Ile21001Thr (NM_133378.4); c.43886T>C, p.Ile14629Thr (NM_133432.3); c.44087T>C, p.Ile14696Thr (NM_133437.4); short protein forms I14504T, I14629T, I14696T, I21001T, I21928T, I23569T.
Identifiers: ClinVar variation 3573887 (VCV003573887.1).
Genomic context (GRCh38, chr2:178,575,426, plus strand): 5'-TCTAACCCTTTCACGGTTGTGATGTGGGTCCACTGGTCAGAGCCTTTTCTTTGGGCTTCA[A>G]TCACATAGCCAGTGATCTTGCTGCCACCATCGTGTTTGGGCTTAGGCCATGCCAGGCTGA-3'
Protein context (NP_001254479.2, residues 23559-23579): DGGSKITGYV[Ile23569Thr]EAQRKGSDQW

ClinVar aggregate classification (germline): Uncertain significance (1 of 4 stars; one submission).

gnomAD v4.1: 4 of 1,613,578 alleles (0.00025%); highest among the groups gnomAD compares: Non-Finnish European, 0.000085%; no homozygotes.

Submission:

GeneDx
Classification: Uncertain significance. Last evaluated: 2024-07-18. Review status: criteria provided, single submitter. Criteria: GeneDx Variant Classification Process June 2021. Collection method: clinical testing. Allele origin: germline. Affected: yes.
Comment: Not observed at significant frequency in large population cohorts (gnomAD); Missense variant in a gene in which most reported pathogenic variants are truncating/loss of function; Has not been previously published as pathogenic or benign to our knowledge